The following is an entry in ClinVar:

ClinVar aggregate classification (germline): Likely benign (1 of 4 stars; one submission).

Allele frequency attached by ClinVar (database versions not stated): 1000 Genomes Project 0.01757; 1000 Genomes Project 30x 0.01889; TOPMed 0.02777; gnomAD 0.02838 and 0.02854.
gnomAD v4.1: 4,203 of 146,876 alleles (2.9%); highest among the groups gnomAD compares: Middle Eastern, 5.3%; 90 homozygotes.

Submission:

GeneDx
Classification: Likely benign. Last evaluated: 2018-06-19. Review status: criteria provided, single submitter. Criteria: GeneDx Variant Classification (06012015). Collection method: clinical testing. Allele origin: germline. Affected: yes.
Comment: This variant is considered likely benign or benign based on one or more of the following criteria: it is a conservative change, it occurs at a poorly conserved position in the protein, it is predicted to be benign by multiple in silico algorithms, and/or has population frequency not consistent with disease.

NM_000430.4(PAFAH1B1):c.569-330G>A

Gene: PAFAH1B1 (platelet activating factor acetylhydrolase 1b regulatory subunit 1; plus strand). Cytogenetic location: 17p13.3.
Variant type: single nucleotide variant.
Coding change: c.569-330G>A on transcript NM_000430.4 (MANE Select); 330 bases into the intron before coding-DNA position 569, G replaced by A.
Molecular consequence: intron variant.
Genome position (GRCh38, 1-based): chr17:2,672,325, G>A. VCF-style: chr17-2672325-G-A. GRCh37 (hg19) VCF-style: chr17-2575619-G-A.
Identifiers: ClinVar variation 674039 (VCV000674039.1), dbSNP rs16952298, ClinGen allele CA286907371.